The following is an entry in ClinVar:

ClinVar aggregate classification (germline): Uncertain significance (1 of 4 stars; one submission).

Conditions:
Early Myoclonic Encephalopathy. Identifiers: MedGen C0270855.

Allele frequency attached by ClinVar (database versions not stated): gnomAD exomes below 0.00001.
gnomAD v4.1: 2 of 1,613,430 alleles (0.00012%); highest among the groups gnomAD compares: Non-Finnish European, 0.00017%; no homozygotes.

Submission:

Labcorp Genetics (formerly Invitae), Labcorp
Classification: Uncertain significance for Early Myoclonic Encephalopathy. Last evaluated: 2019-09-12. Review status: criteria provided, single submitter. Criteria: Invitae Variant Classification Sherloc (09022015). Collection method: clinical testing. Allele origin: germline.
Comment: This variant has not been reported in the literature in individuals with JMJD1C-related conditions. This variant is not present in population databases (ExAC no frequency). This sequence change falls in intron 2 of the JMJD1C gene. It does not directly change the encoded amino acid sequence of the JMJD1C protein, but it affects a nucleotide within the consensus splice site of the intron. In summary, the available evidence is currently insufficient to determine the role of this variant in disease. Therefore, it has been classified as a Variant of Uncertain Significance. Nucleotide substitutions within the consensus splice site are a relatively common cause of aberrant splicing (PMID: 17576681, 9536098). Algorithms developed to predict the effect of sequence changes on RNA splicing suggest that this variant is not likely to affect RNA splicing, but this prediction has not been confirmed by published transcriptional studies.

Literature cited by the submitters: PubMed 17576681; PubMed 9536098.

NM_032776.3(JMJD1C):c.333+6A>T

Gene: JMJD1C (jumonji domain containing 1C; minus strand). Cytogenetic location: 10q21.3.
Variant type: single nucleotide variant.
Coding change: c.333+6A>T on transcript NM_032776.3 (MANE Select); 6 bases into the intron after coding-DNA position 333, A replaced by T.
Molecular consequence: intron variant.
Genome position (GRCh38, 1-based): chr10:63,380,312, T>A on the plus strand (A>T on the coding strand, the complement: JMJD1C is on the minus strand). VCF-style: chr10-63380312-T-A. GRCh37 (hg19) VCF-style: chr10-65140072-T-A.
Other names: c.-219+6A>T (NM_001322258.2); c.-214+6A>T (NM_001318154.2); c.333+6A>T (NM_001322252.2).
Identifiers: ClinVar variation 835594 (VCV000835594.9), dbSNP rs750908745, ClinGen allele CA916083132.
Genomic context (GRCh38, chr10:63,380,312, plus strand): 5'-GTTGTTGTTGTTCTTTGTTTTAAACGAACAAATGAAAATGCTTAATGAAACAGGAATAGA[T>A]CTTACCAATGCAGGCCACTGAATCTGTTTGCTCTTTGATCCCTGAGTCTGGCTAGGGTCA-3'